The following is an entry in ClinVar:

NM_001098629.3(IRF5):c.254A>C (p.Lys85Thr)

Gene: IRF5 (interferon regulatory factor 5; plus strand). Cytogenetic location: 7q32.1.
Variant type: single nucleotide variant.
Coding change: c.254A>C on transcript NM_001098629.3 (MANE Select); coding-DNA position 254, A replaced by C.
Protein change: p.Lys85Thr; replaces lysine 85 with threonine.
Molecular consequence: missense variant.
Genome position (GRCh38, 1-based): chr7:128,945,903, A>C. VCF-style: chr7-128945903-A-C. GRCh37 (hg19) VCF-style: chr7-128585957-A-C.
Other names: c.254A>C, p.Lys85Thr (NM_001098627.4, NM_001098630.3, NM_001242452.3 and 3 more transcripts); short protein forms K85T.
Identifiers: ClinVar variation 4525974 (VCV004525974.1).

ClinVar aggregate classification (germline): Uncertain significance (1 of 4 stars; one submission).

Submission:

Women's Health and Genetics/Laboratory Corporation of America, LabCorp
Classification: Uncertain significance. Last evaluated: 2025-07-11. Review status: criteria provided, single submitter. Criteria: LabCorp Variant Classification Summary - May 2015. Collection method: clinical testing. Allele origin: germline.
Comment: Variant summary: IRF5 c.254A>C (p.Lys85Thr) results in a non-conservative amino acid change in the encoded protein sequence. Algorithms developed to predict the effect of missense changes on protein structure and function all suggest that this variant is likely to be disruptive. The variant was absent in 250740 control chromosomes. The available data on variant occurrences in the general population are insufficient to allow any conclusion about variant significance. To our knowledge, no occurrence of c.254A>C in individuals affected with IRF5-Related Disorders and no experimental evidence demonstrating its impact on protein function have been reported. No submitters have cited clinical-significance assessments for this variant to ClinVar. Based on the evidence outlined above, the variant was classified as uncertain significance.